The following is an entry in ClinVar:

NM_001252024.2(TRPM1):c.1666G>C (p.Gly556Arg)

Gene: TRPM1 (transient receptor potential cation channel subfamily M member 1; minus strand). Cytogenetic location: 15q13.3.
Variant type: single nucleotide variant.
Coding change: c.1666G>C on transcript NM_001252024.2 (MANE Select); coding-DNA position 1666, G replaced by C.
Protein change: p.Gly556Arg; replaces glycine 556 with arginine.
Molecular consequence: missense variant.
Genome position (GRCh38, 1-based): chr15:31,047,209, C>G on the plus strand (G>C on the coding strand, the complement: TRPM1 is on the minus strand). VCF-style: chr15-31047209-C-G. GRCh37 (hg19) VCF-style: chr15-31339412-C-G.
Other names: c.1717G>C, p.Gly573Arg (NM_001252020.2); c.1600G>C, p.Gly534Arg (NM_002420.6); short protein forms G534R, G556R, G573R.
Identifiers: ClinVar variation 1933105 (VCV001933105.5), dbSNP rs748043795, ClinGen allele CA391515430.

ClinVar aggregate classification (germline): Uncertain significance (1 of 4 stars; one submission).

gnomAD v4.1: 12 of 1,614,134 alleles (0.00074%); highest among the groups gnomAD compares: Non-Finnish European, 0.001%; no homozygotes.

Submission:

Labcorp Genetics (formerly Invitae), Labcorp
Classification: Uncertain significance. Last evaluated: 2022-07-08. Review status: criteria provided, single submitter. Criteria: Invitae Variant Classification Sherloc (09022015). Collection method: clinical testing. Allele origin: germline.
Comment: In summary, the available evidence is currently insufficient to determine the role of this variant in disease. Therefore, it has been classified as a Variant of Uncertain Significance. Algorithms developed to predict the effect of missense changes on protein structure and function are either unavailable or do not agree on the potential impact of this missense change (SIFT: "Deleterious"; PolyPhen-2: "Probably Damaging"; Align-GVGD: "Class C15"). This missense change has been observed in individual(s) with congenital stationary night blindness (PMID: 19896109). In at least one individual the data is consistent with being in trans (on the opposite chromosome) from a pathogenic variant. This variant is present in population databases (no rsID available, gnomAD 0.0009%). This sequence change replaces glycine, which is neutral and non-polar, with arginine, which is basic and polar, at codon 534 of the TRPM1 protein (p.Gly534Arg).

Literature cited by the submitters: PubMed 19896109.